The following is an entry in ClinVar:

ClinVar aggregate classification (germline): Uncertain significance (1 of 4 stars; one submission).

Conditions:
Autosomal recessive limb-girdle muscular dystrophy type 2C (LGMDR5). Also called: MUSCULAR DYSTROPHY, LIMB-GIRDLE, AUTOSOMAL RECESSIVE 5; MUSCULAR DYSTROPHY, DUCHENNE-LIKE. Identifiers: Orphanet 353, MedGen C0410173, MONDO:0009677, OMIM 253700. Disease mechanism: Affects gamma-sarcoglycan and also disrupts the integrity of the entire sarcoglycan complex..

Submission:

Myriad Genetics, Inc.
Classification: Uncertain significance for Autosomal recessive limb-girdle muscular dystrophy type 2C. Last evaluated: 2026-03-05. Review status: criteria provided, single submitter. Criteria: Myriad Autosomal Dominant, Autosomal Recessive and X-Linked Classification Criteria (2023). Collection method: clinical testing. Allele origin: unknown.
Comment: NM_000231.2(SGCG):c.775C>T(Q259*) is a nonsense variant classified as a variant of uncertain significance in the context of gamma-sarcoglycanopathy. Q259* has not been observed in cases with relevant disease. Relevant functional assessments of this variant are not available in the literature. Q259* has not been observed in referenced population frequency databases. In summary, there is insufficient evidence to classify NM_000231.2(SGCG):c.775C>T(Q259*) as pathogenic or benign. Please note: this variant was assessed in the context of healthy population screening.

NM_000231.3(SGCG):c.775C>T (p.Gln259Ter)

Gene: SGCG (sarcoglycan gamma; plus strand). Cytogenetic location: 13q12.12.
Variant type: single nucleotide variant.
Coding change: c.775C>T on transcript NM_000231.3 (MANE Select); coding-DNA position 775, C replaced by T.
Protein change: p.Gln259Ter; replaces glutamine 259 with a stop codon.
Molecular consequence: nonsense.
Genome position (GRCh38, 1-based): chr13:23,324,440, C>T. VCF-style: chr13-23324440-C-T. GRCh37 (hg19) VCF-style: chr13-23898579-C-T.
Other names: c.829C>T, p.Gln277Ter (NM_001378244.1); c.775C>T, p.Gln259Ter (NM_001378245.1, NM_001378246.1); short protein forms Q277*, Q259*.
Identifiers: ClinVar variation 5003445 (VCV005003445.1).
Genomic context (GRCh38, chr13:23,324,440, plus strand): 5'-GCTGAAACTGTGTGCTTACCCAAGCTGGTGCAGGGGACGTGGGGTCCCTCTGGCAGCTCA[C>T]AGAGCCTCTACGAAATCTGTGTGTGTCCAGATGGGAAGCTGTACCTGTCTGTGGCCGGTG-3'